The following is an entry in ClinVar:

ClinVar aggregate classification (germline): Uncertain significance (1 of 4 stars; one submission).

Conditions:
Hereditary cancer-predisposing syndrome. Also called: Neoplastic Syndromes, Hereditary; Tumor predisposition; Hereditary neoplastic syndrome; Hereditary Cancer Syndrome. Identifiers: Orphanet 140162, MedGen C0027672, MeSH D009386, MONDO:0015356.

gnomAD v4.1: 1 of 1,614,224 alleles (0.000062%); highest among the groups gnomAD compares: African/African-American, 0.0013%; no homozygotes.

Submission:

Ambry Genetics
Classification: Uncertain significance for Hereditary cancer-predisposing syndrome. Last evaluated: 2026-03-09. Review status: criteria provided, single submitter. Criteria: Ambry Variant Classification Scheme 2023. Collection method: clinical testing. Allele origin: germline.
Comment: The p.K182R variant (also known as c.545A>G), located in coding exon 3 of the XRCC2 gene, results from an A to G substitution at nucleotide position 545. The lysine at codon 182 is replaced by arginine, an amino acid with highly similar properties. This amino acid position is conserved. In addition, this alteration is predicted to be tolerated by in silico analysis. Based on the available evidence, the clinical significance of this variant remains unclear.

NM_005431.2(XRCC2):c.545A>G (p.Lys182Arg)

Gene: XRCC2 (X-ray repair cross complementing 2; minus strand). Cytogenetic location: 7q36.1.
Variant type: single nucleotide variant.
Coding change: c.545A>G on transcript NM_005431.2 (MANE Select); coding-DNA position 545, A replaced by G.
Protein change: p.Lys182Arg; replaces lysine 182 with arginine.
Molecular consequence: missense variant.
Genome position (GRCh38, 1-based): chr7:152,648,940, T>C on the plus strand (A>G on the coding strand, the complement: XRCC2 is on the minus strand). VCF-style: chr7-152648940-T-C. GRCh37 (hg19) VCF-style: chr7-152346025-T-C.
Other names: short protein forms K182R.
Identifiers: ClinVar variation 3982932 (VCV003982932.2).
Genomic context (GRCh38, chr7:152,648,940, plus strand): 5'-GCTTTCTGCATTATAGTTTGTGTCGTTGCAAAAAGAACCAGGCGATAGTCATTTACAAGC[T>C]TCTCTAAGCACTGAGAACATTTCCTCAGAGTAGACTCCTGTAAGTTCACACTTTCTCCTC-3'
Protein context (NP_005422.1, residues 172-192): TLRKCSQCLE[Lys182Arg]LVNDYRLVLF